The following is an entry in ClinVar:

NM_000303.3(PMM2):c.53C>T (p.Thr18Ile)

Gene: PMM2 (phosphomannomutase 2; plus strand). Cytogenetic location: 16p13.2.
Variant type: single nucleotide variant.
Coding change: c.53C>T on transcript NM_000303.3 (MANE Select); coding-DNA position 53, C replaced by T.
Protein change: p.Thr18Ile; replaces threonine 18 with isoleucine.
Molecular consequence: missense variant.
Genome position (GRCh38, 1-based): chr16:8,797,935, C>T. VCF-style: chr16-8797935-C-T. GRCh37 (hg19) VCF-style: chr16-8891792-C-T.
Other names: short protein forms T18I.
Identifiers: ClinVar variation 3902569 (VCV003902569.1).

ClinVar aggregate classification (germline): Uncertain significance (1 of 4 stars; one submission).

gnomAD v4.1: 3 of 1,607,720 alleles (0.00019%); highest among the groups gnomAD compares: Non-Finnish European, 0.00025%; no homozygotes.

Submission:

Women's Health and Genetics/Laboratory Corporation of America, LabCorp
Classification: Uncertain significance. Last evaluated: 2025-05-02. Review status: criteria provided, single submitter. Criteria: LabCorp Variant Classification Summary - May 2015. Collection method: clinical testing. Allele origin: germline.
Comment: Variant summary: PMM2 c.53C>T (p.Thr18Ile) results in a non-conservative amino acid change in the encoded protein sequence. Algorithms developed to predict the effect of missense changes on protein structure and function all suggest that this variant is likely to be disruptive. The variant was absent in 230864 control chromosomes. The available data on variant occurrences in the general population are insufficient to allow any conclusion about variant significance. To our knowledge, no occurrence of c.53C>T in individuals affected with Congenital Disorder Of Glycosylation Type 1a and no experimental evidence demonstrating its impact on protein function have been reported. A different variant affecting the same codon has been classified as likely pathogenic by our lab (c.53C>G, p.Thr18Ser), supporting the critical relevance of codon 18 to PMM2 protein function. No submitters have cited clinical-significance assessments for this variant to ClinVar. Based on the evidence outlined above, the variant was classified as uncertain significance.